The following is an entry in ClinVar:

ClinVar aggregate classification (germline): Uncertain significance (1 of 4 stars; one submission).

Conditions:
Retinoblastoma (RB1). Also called: RETINOBLASTOMA, SOMATIC. Identifiers: Orphanet 790, MedGen C0035335, MeSH D012175, MONDO:0008380, OMIM 180200, HP:0009919. Disease mechanism: loss of function. Inheritance: Both sporadic and heritable forms are tested..

Submission:

Labcorp Genetics (formerly Invitae), Labcorp
Classification: Uncertain significance for Retinoblastoma. Last evaluated: 2023-12-12. Review status: criteria provided, single submitter. Criteria: Invitae Variant Classification Sherloc (09022015). Collection method: clinical testing. Allele origin: germline.
Comment: This variant occurs in a non-coding region of the RB1 gene. It does not change the encoded amino acid sequence of the RB1 protein. This variant is not present in population databases (gnomAD no frequency). This variant has not been reported in the literature in individuals affected with RB1-related conditions. In summary, the available evidence is currently insufficient to determine the role of this variant in disease. Therefore, it has been classified as a Variant of Uncertain Significance.

NM_000321.3(RB1):c.-157C>G

Gene: RB1 (RB transcriptional corepressor 1; plus strand). Cytogenetic location: 13q14.2.
Variant type: single nucleotide variant.
Coding change: c.-157C>G on transcript NM_000321.3 (MANE Select); 157 bases upstream of the start codon, C replaced by G.
Molecular consequence: 5 prime UTR variant.
Genome position (GRCh38, 1-based): chr13:48,303,756, C>G. VCF-style: chr13-48303756-C-G. GRCh37 (hg19) VCF-style: chr13-48877892-C-G.
Other names: c.-157C>G (NM_001407165.1, NM_001407166.1, NM_001407167.1).
Identifiers: ClinVar variation 2982252 (VCV002982252.3), dbSNP rs1433895904, ClinGen allele CA2740097663.